The following is an entry in ClinVar:

NM_012310.5(KIF4A):c.578A>T (p.Gln193Leu)

Gene: KIF4A (kinesin family member 4A; plus strand). Cytogenetic location: Xq13.1.
Variant type: single nucleotide variant.
Coding change: c.578A>T on transcript NM_012310.5 (MANE Select); coding-DNA position 578, A replaced by T.
Protein change: p.Gln193Leu; replaces glutamine 193 with leucine.
Molecular consequence: missense variant.
Genome position (GRCh38, 1-based): chrX:70,301,961, A>T. VCF-style: chrX-70301961-A-T. GRCh37 (hg19) VCF-style: chrX-69521811-A-T.
Other names: c.578A>T (NM_012310.4); short protein forms Q193L.
Identifiers: ClinVar variation 2691356 (VCV002691356.3), dbSNP rs2085806115, ClinGen allele CA413487483.
Genomic context (GRCh38, chrX:70,301,961, plus strand): 5'-TTGTGGGACTCACTGAGAAGACTGTTTTGGTTGCCTTGGATACTGTTTCCTGTTTGGAAC[A>T]GGGCAACAACTCTAGGACTGTGGCCTCCACGGCTATGAACTCCCAGTCGTCCCGATCTCA-3'
Protein context (NP_036442.3, residues 183-203): VALDTVSCLE[Gln193Leu]GNNSRTVAST

ClinVar aggregate classification (germline): Uncertain significance. Review status: criteria provided, multiple submitters, no conflicts (2 of 4 stars). 3 submissions from 3 submitters: Uncertain significance (3). Last evaluated 2025-12-31.

Allele frequency attached by ClinVar (database versions not stated): TOPMed below 0.00001.

Submissions (3):

Ambry Genetics
Classification: Uncertain significance. Last evaluated: 2025-12-31. Review status: criteria provided, single submitter. Criteria: Ambry Variant Classification Scheme 2023. Collection method: clinical testing. Allele origin: germline.

Women's Health and Genetics/Laboratory Corporation of America, LabCorp
Classification: Uncertain significance. Last evaluated: 2023-12-20. Review status: criteria provided, single submitter. Criteria: LabCorp Variant Classification Summary - May 2015. Collection method: clinical testing. Allele origin: germline.
Comment: Variant summary: KIF4A c.578A>T (p.Gln193Leu) results in a non-conservative amino acid change located in the Kinesin motor domain (IPR001752) of the encoded protein sequence. Three of five in-silico tools predict a benign effect of the variant on protein function. The variant was absent in 183084 control chromosomes (gnomAD). The available data on variant occurrences in the general population are insufficient to allow any conclusion about variant significance. To our knowledge, no occurrence of c.578A>T in individuals affected with Intellectual Disability, X-Linked 100 and no experimental evidence demonstrating its impact on protein function have been reported. No submitters have cited clinical-significance assessments for this variant to ClinVar after 2014. Based on the evidence outlined above, the variant was classified as uncertain significance.

GeneDx
Classification: Uncertain significance. Last evaluated: 2023-11-05. Review status: criteria provided, single submitter. Criteria: GeneDx Variant Classification Process June 2021. Collection method: clinical testing. Allele origin: germline. Affected: yes.
Comment: Not observed at significant frequency in large population cohorts (gnomAD); In silico analysis supports that this missense variant has a deleterious effect on protein structure/function; Has not been previously published as pathogenic or benign to our knowledge